The following is an entry in ClinVar:

NM_000020.3(ACVRL1):c.1381dup (p.Leu461fs)

Gene: ACVRL1 (activin A receptor like type 1; plus strand). Cytogenetic location: 12q13.13.
Variant type: Duplication.
Coding change: c.1381dup on transcript NM_000020.3 (MANE Select); coding-DNA position 1381, one base duplicated (C; older notation c.1381dupC).
Protein change: p.Leu461fs; shifts the reading frame from leucine 461.
Molecular consequence: frameshift variant.
Genome position (GRCh38, 1-based): chr12:51,920,762, C duplicated; the last of 2 consecutive C bases (chr12:51,920,761-51,920,762); duplicating either gives the same sequence. VCF-style (leftmost placement, unchanged base first): chr12-51920760-T-TC. GRCh37 (hg19) VCF-style: chr12-52314544-T-TC.
Other names: c.1381dup, p.Leu461fs (NM_001077401.2); short protein forms L461fs.
Identifiers: ClinVar variation 1459039 (VCV001459039.6), dbSNP rs2139089160, ClinGen allele CA2573148789.
Genomic context (GRCh38, chr12:51,920,760, plus strand): 5'-CTCTTCTCTGCATCTCTCTCTCTGCCTCCTCTCCTCTGCACCTCTCTCCCAACCCCCAGG[T>TC]CCTCTCAGGCCTAGCTCAGATGATGCGGGAGTGCTGGTACCCAAACCCCTCTGCCCGACT-3'

ClinVar aggregate classification (germline): Pathogenic (1 of 4 stars; one submission).

Conditions:
Telangiectasia, hereditary hemorrhagic, type 2 (HHT2). Also called: ACVRL1-Related Hereditary Hemorrhagic Telangiectasia; Telangiectasia, hereditary hemorrhagic, type II. Identifiers: Orphanet 774, MedGen C1838163, MONDO:0010880, OMIM 600376. Disease mechanism: loss of function.

Submission:

Labcorp Genetics (formerly Invitae), Labcorp
Classification: Pathogenic for Telangiectasia, hereditary hemorrhagic, type 2. Last evaluated: 2022-01-21. Review status: criteria provided, single submitter. Criteria: Invitae Variant Classification Sherloc (09022015). Collection method: clinical testing. Allele origin: germline.
Comment: This sequence change creates a premature translational stop signal (p.Leu461Profs*33) in the ACVRL1 gene. While this is not anticipated to result in nonsense mediated decay, it is expected to disrupt the last 43 amino acid(s) of the ACVRL1 protein. This variant is not present in population databases (gnomAD no frequency). This variant has not been reported in the literature in individuals affected with ACVRL1-related conditions. This variant disrupts a region of the ACVRL1 protein in which other variant(s) (p.Arg479*) have been determined to be pathogenic (PMID: 15024723, 15065824, 21158752, 23722869). This suggests that this is a clinically significant region of the protein, and that variants that disrupt it are likely to be disease-causing. For these reasons, this variant has been classified as Pathogenic.

Literature cited by the submitters: PubMed 15024723; PubMed 15065824; PubMed 21158752; PubMed 23722869.